The following is an entry in ClinVar:

NM_001814.6(CTSC):c.1006G>A (p.Asp336Asn)

Gene: CTSC (cathepsin C; minus strand). Cytogenetic location: 11q14.2.
Variant type: single nucleotide variant.
Coding change: c.1006G>A on transcript NM_001814.6 (MANE Select); coding-DNA position 1006, G replaced by A.
Protein change: p.Asp336Asn; replaces aspartic acid 336 with asparagine.
Molecular consequence: missense variant.
Genome position (GRCh38, 1-based): chr11:88,294,392, C>T on the plus strand (G>A on the coding strand, the complement: CTSC is on the minus strand). VCF-style: chr11-88294392-C-T. GRCh37 (hg19) VCF-style: chr11-88027560-C-T.
Other names: short protein forms D336N.
Identifiers: ClinVar variation 1354154 (VCV001354154.7), dbSNP rs764530074, ClinGen allele CA6219790.

ClinVar aggregate classification (germline): Uncertain significance (1 of 4 stars; one submission).

Conditions:
Papillon-Lefèvre syndrome (PALS). Also called: KERATOSIS PALMOPLANTARIS WITH PERIODONTOPATHIA; Papillon-Lefevre Disease. Identifiers: Orphanet 678, MedGen C0030360, MONDO:0009490, OMIM 245000.
Periodontitis, aggressive. Identifiers: MedGen C0031106, MONDO:0980757.
Haim-Munk syndrome (HMS). Also called: COCHIN JEWISH DISORDER; KERATOSIS PALMOPLANTARIS WITH PERIODONTOPATHIA AND ONYCHOGRYPOSIS. Identifiers: Orphanet 2342, MedGen C1855627, MONDO:0009491, OMIM 245010.

Allele frequency attached by ClinVar (database versions not stated): TOPMed 0.00003; gnomAD exomes below 0.00001; ExAC 0.00001; gnomAD 0.00001.

Submission:

Labcorp Genetics (formerly Invitae), Labcorp
Classification: Uncertain significance for Haim-Munk syndrome; Periodontitis, aggressive; Papillon-Lefèvre syndrome. Last evaluated: 2022-08-19. Review status: criteria provided, single submitter. Criteria: Invitae Variant Classification Sherloc (09022015). Collection method: clinical testing. Allele origin: germline.
Comment: This sequence change replaces aspartic acid, which is acidic and polar, with asparagine, which is neutral and polar, at codon 336 of the CTSC protein (p.Asp336Asn). This variant is present in population databases (rs764530074, gnomAD 0.007%). This variant has not been reported in the literature in individuals affected with CTSC-related conditions. ClinVar contains an entry for this variant (Variation ID: 1354154). Algorithms developed to predict the effect of missense changes on protein structure and function output the following: SIFT: "Not Available"; PolyPhen-2: "Benign"; Align-GVGD: "Not Available". The asparagine amino acid residue is found in multiple mammalian species, which suggests that this missense change does not adversely affect protein function. In summary, the available evidence is currently insufficient to determine the role of this variant in disease. Therefore, it has been classified as a Variant of Uncertain Significance.